The following is an entry in ClinVar:

NM_000052.7(ATP7A):c.2053C>T (p.Gln685Ter)

Gene: ATP7A (ATPase copper transporting alpha; plus strand). Cytogenetic location: Xq21.1.
Variant type: single nucleotide variant.
Coding change: c.2053C>T on transcript NM_000052.7 (MANE Select); coding-DNA position 2053, C replaced by T.
Protein change: p.Gln685Ter; replaces glutamine 685 with a stop codon.
Molecular consequence: nonsense.
Genome position (GRCh38, 1-based): chrX:78,011,555, C>T. VCF-style: chrX-78011555-C-T. GRCh37 (hg19) VCF-style: chrX-77267052-C-T.
Other names: c.2053C>T, p.Gln685Ter (NM_001282224.2); short protein forms Q685*.
Identifiers: ClinVar variation 2921740 (VCV002921740.3), dbSNP rs1557234510, ClinGen allele CA413598308.

ClinVar aggregate classification (germline): Pathogenic (1 of 4 stars; one submission).

Conditions:
Menkes kinky-hair syndrome (MNK). Also called: Copper transport disease; Menkes Disease; Classic Menkes Disease. Identifiers: Orphanet 565, MedGen C0022716, MONDO:0010651, OMIM 309400.
Cutis laxa, X-linked (OHS). Also called: EDS IX; Occipital horn syndrome. Identifiers: Orphanet 198, MedGen C0268353, MONDO:0010572, OMIM 304150.
X-linked distal spinal muscular atrophy type 3. Also called: ATP7A-Related Distal Motor Neuropathy; SPINAL MUSCULAR ATROPHY, DISTAL, X-LINKED RECESSIVE; NEURONOPATHY, DISTAL HEREDITARY MOTOR, X-LINKED; NEUROPATHY, DISTAL HEREDITARY MOTOR, X-LINKED. Identifiers: Orphanet 139557, MedGen C1845359, MONDO:0010338, OMIM 300489.

Submission:

Labcorp Genetics (formerly Invitae), Labcorp
Classification: Pathogenic for X-linked distal spinal muscular atrophy type 3; Cutis laxa, X-linked; Menkes kinky-hair syndrome. Last evaluated: 2024-02-17. Review status: criteria provided, single submitter. Criteria: Invitae Variant Classification Sherloc (09022015). Collection method: clinical testing. Allele origin: germline.
Comment: This sequence change creates a premature translational stop signal (p.Gln685*) in the ATP7A gene. It is expected to result in an absent or disrupted protein product. Loss-of-function variants in ATP7A are known to be pathogenic (PMID: 11241493, 20652413). This variant is not present in population databases (gnomAD no frequency). This variant has not been reported in the literature in individuals affected with ATP7A-related conditions. Algorithms developed to predict the effect of sequence changes on RNA splicing suggest that this variant may disrupt the consensus splice site. For these reasons, this variant has been classified as Pathogenic.

Literature cited by the submitters: PubMed 11241493; PubMed 20652413.